The following is an entry in ClinVar:

NM_022765.4(MICAL1):c.778G>A (p.Gly260Ser)

Gene: MICAL1 (microtubule associated monooxygenase, calponin and LIM domain containing 1; minus strand). Cytogenetic location: 6q21.
Variant type: single nucleotide variant.
Coding change: c.778G>A on transcript NM_022765.4 (MANE Select); coding-DNA position 778, G replaced by A.
Protein change: p.Gly260Ser; replaces glycine 260 with serine.
Molecular consequence: missense variant.
Genome position (GRCh38, 1-based): chr6:109,452,300, C>T on the plus strand (G>A on the coding strand, the complement: MICAL1 is on the minus strand). VCF-style: chr6-109452300-C-T. GRCh37 (hg19) VCF-style: chr6-109773503-C-T.
Other names: c.778G>A, p.Gly260Ser (NM_001159291.2); c.835G>A, p.Gly279Ser (NM_001286613.2); short protein forms G260S, G279S.
Identifiers: ClinVar variation 2985084 (VCV002985084.3), dbSNP rs749746161, ClinGen allele CA3953627.
Genomic context (GRCh38, chr6:109,452,300, plus strand): 5'-CCTGACCTGTGGCTTTGAGAAGGCTCTGGAAGAAGCTCTGGTTGTAGATCCTGGCTACAC[C>T]ACTGATCTCCGGCACCTGTGTCTCCTCCACGGTGCGTCCATTCACAAAGTTGGCTGTGAT-3'
Protein context (NP_073602.3, residues 250-270): VEETQVPEIS[Gly260Ser]VARIYNQSFF

ClinVar aggregate classification (germline): Uncertain significance (1 of 4 stars; one submission).

Allele frequency attached by ClinVar (database versions not stated): ExAC 0.00001; gnomAD exomes below 0.00001.
gnomAD v4.1: 1 of 1,614,178 alleles (0.000062%); highest among the groups gnomAD compares: Non-Finnish European, 0.000085%; no homozygotes.

Submission:

Labcorp Genetics (formerly Invitae), Labcorp
Classification: Uncertain significance. Last evaluated: 2025-05-26. Review status: criteria provided, single submitter. Criteria: Invitae Variant Classification Sherloc (09022015). Collection method: clinical testing. Allele origin: germline.
Comment: This sequence change replaces glycine, which is neutral and non-polar, with serine, which is neutral and polar, at codon 279 of the MICAL1 protein (p.Gly279Ser). This variant is present in population databases (rs749746161, gnomAD 0.0009%). This variant has not been reported in the literature in individuals affected with MICAL1-related conditions. ClinVar contains an entry for this variant (Variation ID: 2985084). An algorithm developed to predict the effect of missense changes on protein structure and function (PolyPhen-2) suggests that this variant is likely to be disruptive. In summary, the available evidence is currently insufficient to determine the role of this variant in disease. Therefore, it has been classified as a Variant of Uncertain Significance.